The following is an entry in ClinVar:

ClinVar aggregate classification (germline): Likely benign (1 of 4 stars; one submission).

Submission:

GeneDx
Classification: Likely benign. Last evaluated: 2016-08-02. Review status: criteria provided, single submitter. Criteria: GeneDx Variant Classification (06012015). Collection method: clinical testing. Allele origin: germline. Affected: yes.
Comment: This variant is considered likely benign or benign based on one or more of the following criteria: it is a conservative change, it occurs at a poorly conserved position in the protein, it is predicted to be benign by multiple in silico algorithms, and/or has population frequency not consistent with disease.

NM_000136.3(FANCC):c.897-18T>C

Genes: AOPEP (aminopeptidase O (putative); plus strand), FANCC (FA complementation group C; minus strand). Cytogenetic location: 9q22.32.
Variant type: single nucleotide variant.
Coding change: c.897-18T>C on transcript NM_000136.3 (MANE Select); 18 bases into the intron before coding-DNA position 897, T replaced by C.
Molecular consequence: intron variant.
Genome position (GRCh38, 1-based): chr9:95,125,203, A>G on the plus strand (T>C on the coding strand, the complement: FANCC is on the minus strand). VCF-style: chr9-95125203-A-G. GRCh37 (hg19) VCF-style: chr9-97887485-A-G.
Other names: c.897-18T>C (NM_001243743.2, NM_001243744.2).
Identifiers: ClinVar variation 388287 (VCV000388287.1), dbSNP rs1057523054, ClinGen allele CA16605899.